The following is an entry in ClinVar:

ClinVar aggregate classification (germline): Pathogenic (0 of 4 stars; one submission).

Submission:

GenMed Metabolism Lab
Classification: Pathogenic. Review status: no assertion criteria provided. Collection method: not provided. Allele origin: unknown.
Comment: p.Ala336Ser, Late
ClinVar note: Converted during submission from pathogenic to Pathogenic.

NM_000531.6(OTC):c.1006G>T (p.Ala336Ser)

Gene: OTC (ornithine transcarbamylase; plus strand). Cytogenetic location: Xp11.4.
Variant type: single nucleotide variant.
Coding change: c.1006G>T on transcript NM_000531.6 (MANE Select); coding-DNA position 1006, G replaced by T.
Protein change: p.Ala336Ser; replaces alanine 336 with serine.
Molecular consequence: missense variant.
Genome position (GRCh38, 1-based): chrX:38,421,023, G>T. VCF-style: chrX-38421023-G-T. GRCh37 (hg19) VCF-style: chrX-38280276-G-T.
Other names: short protein forms A336S.
Identifiers: ClinVar variation 97094 (VCV000097094.2), dbSNP rs72558486, ClinGen allele CA224436.
Genomic context (GRCh38, chrX:38,421,023, plus strand): 5'-TCCCTAAGCAGACTGTCGCTAATGTTTATCCATTTCTTTCTTTCTTTGTTGTGTCATCAG[G>T]CTGTCATGGTGTCCCTGCTGACAGATTACTCACCTCAGCTCCAGAAGCCTAAATTTTGAT-3'
Protein context (NP_000522.3, residues 326-346): EAENRKWTIM[Ala336Ser]VMVSLLTDYS